The following is an entry in ClinVar:

ClinVar aggregate classification (germline): Uncertain significance (1 of 4 stars; one submission).

Conditions:
Hereditary cancer-predisposing syndrome. Also called: Neoplastic Syndromes, Hereditary; Tumor predisposition; Hereditary neoplastic syndrome; Hereditary Cancer Syndrome. Identifiers: Orphanet 140162, MedGen C0027672, MeSH D009386, MONDO:0015356.

Submission:

Ambry Genetics
Classification: Uncertain significance for Hereditary cancer-predisposing syndrome. Last evaluated: 2026-07-06. Review status: criteria provided, single submitter. Criteria: Ambry Variant Classification Scheme 2023. Collection method: clinical testing. Allele origin: germline.
Comment: The p.H165D variant (also known as c.493C>G), located in coding exon 3 of the TMEM127 gene, results from a C to G substitution at nucleotide position 493. The histidine at codon 165 is replaced by aspartic acid, an amino acid with similar properties. This amino acid position is conserved. In addition, this alteration is predicted to be deleterious by in silico analysis. Based on the available evidence, the clinical significance of this variant remains unclear.

NM_017849.4(TMEM127):c.493C>G (p.His165Asp)

Gene: TMEM127 (transmembrane protein 127; minus strand). Cytogenetic location: 2q11.2.
Variant type: single nucleotide variant.
Coding change: c.493C>G on transcript NM_017849.4 (MANE Select); coding-DNA position 493, C replaced by G.
Protein change: p.His165Asp; replaces histidine 165 with aspartic acid.
Molecular consequence: missense variant.
Genome position (GRCh38, 1-based): chr2:96,254,032, G>C on the plus strand (C>G on the coding strand, the complement: TMEM127 is on the minus strand). VCF-style: chr2-96254032-G-C. GRCh37 (hg19) VCF-style: chr2-96919770-G-C.
Other names: c.493C>G, p.His165Asp (NM_001193304.3); c.241C>G, p.His81Asp (NM_001407282.1, NM_001407283.1); short protein forms H165D, H81D.
Identifiers: ClinVar variation 5030898 (VCV005030898.1).